The following is an entry in ClinVar:

NM_004320.6(ATP2A1):c.1974C>A (p.Phe658Leu)

Gene: ATP2A1 (ATPase sarcoplasmic/endoplasmic reticulum Ca2+ transporting 1; plus strand). Cytogenetic location: 16p11.2.
Variant type: single nucleotide variant.
Coding change: c.1974C>A on transcript NM_004320.6 (MANE Select); coding-DNA position 1974, C replaced by A.
Protein change: p.Phe658Leu; replaces phenylalanine 658 with leucine.
Molecular consequence: missense variant.
Genome position (GRCh38, 1-based): chr16:28,900,790, C>A. VCF-style: chr16-28900790-C-A. GRCh37 (hg19) VCF-style: chr16-28912111-C-A.
Other names: c.1599C>A, p.Phe533Leu (NM_001286075.2); c.1974C>A, p.Phe658Leu (NM_173201.5); short protein forms F533L, F658L.
Identifiers: ClinVar variation 2101484 (VCV002101484.4), dbSNP rs61626938, ClinGen allele CA395411336.
Genomic context (GRCh38, chr16:28,900,790, plus strand): 5'-AATTGGCATCTTTGGGGAGAACGAGGAGGTGGCCGATCGCGCCTACACGGGCCGAGAGTT[C>A]GACGACCTGCCCCTGGCTGAACAGCGGGAAGCCTGCCGACGTGCCTGCTGCTTCGCCCGT-3'
Protein context (NP_004311.1, residues 648-668): VADRAYTGRE[Phe658Leu]DDLPLAEQRE

ClinVar aggregate classification (germline): Uncertain significance (1 of 4 stars; one submission).

Conditions:
Brody myopathy. Also called: BRODY DISEASE. Identifiers: Orphanet 53347, MedGen C1832918, MONDO:0010977, OMIM 601003.

Submission:

Labcorp Genetics (formerly Invitae), Labcorp
Classification: Uncertain significance for Brody myopathy. Last evaluated: 2022-02-22. Review status: criteria provided, single submitter. Criteria: Invitae Variant Classification Sherloc (09022015). Collection method: clinical testing. Allele origin: germline.
Comment: In summary, the available evidence is currently insufficient to determine the role of this variant in disease. Therefore, it has been classified as a Variant of Uncertain Significance. Algorithms developed to predict the effect of missense changes on protein structure and function are either unavailable or do not agree on the potential impact of this missense change (SIFT: "Deleterious"; PolyPhen-2: "Probably Damaging"; Align-GVGD: "Class C0"). This variant has not been reported in the literature in individuals affected with ATP2A1-related conditions. This variant is present in population databases (no rsID available, gnomAD 0.01%). This sequence change replaces phenylalanine, which is neutral and non-polar, with leucine, which is neutral and non-polar, at codon 658 of the ATP2A1 protein (p.Phe658Leu).